The following is an entry in ClinVar:

NM_001367823.1(ARHGEF18):c.3317G>A (p.Arg1106Gln)

Gene: ARHGEF18 (Rho/Rac guanine nucleotide exchange factor 18; plus strand). Cytogenetic location: 19p13.2.
Variant type: single nucleotide variant.
Coding change: c.3317G>A on transcript NM_001367823.1 (MANE Select); coding-DNA position 3317, G replaced by A.
Protein change: p.Arg1106Gln; replaces arginine 1106 with glutamine.
Molecular consequence: missense variant.
Genome position (GRCh38, 1-based): chr19:7,467,521, G>A. VCF-style: chr19-7467521-G-A. GRCh37 (hg19) VCF-style: chr19-7532407-G-A.
Other names: c.2591G>A, p.Arg864Gln (NM_001130955.2); c.2279G>A, p.Arg760Gln (NM_001367824.1, NM_015318.4); short protein forms R864Q, R1106Q, R760Q.
Identifiers: ClinVar variation 1474139 (VCV001474139.3), dbSNP rs1024456250, ClinGen allele CA304856609.

ClinVar aggregate classification (germline): Uncertain significance (1 of 4 stars; one submission).

Allele frequency attached by ClinVar (database versions not stated): gnomAD exomes 0.00001 and 0.00002; gnomAD 0.00003; TOPMed 0.00003.
gnomAD v4.1: 13 of 1,433,752 alleles (0.00091%); highest among the groups gnomAD compares: African/African-American, 0.0091%; no homozygotes.

Submission:

Labcorp Genetics (formerly Invitae), Labcorp
Classification: Uncertain significance. Last evaluated: 2022-09-13. Review status: criteria provided, single submitter. Criteria: Invitae Variant Classification Sherloc (09022015). Collection method: clinical testing. Allele origin: germline.
Comment: This sequence change replaces arginine, which is basic and polar, with glutamine, which is neutral and polar, at codon 918 of the ARHGEF18 protein (p.Arg918Gln). The frequency data for this variant in the population databases is considered unreliable, as metrics indicate poor data quality at this position in the gnomAD database. This variant has not been reported in the literature in individuals affected with ARHGEF18-related conditions. ClinVar contains an entry for this variant (Variation ID: 1474139). Algorithms developed to predict the effect of missense changes on protein structure and function are either unavailable or do not agree on the potential impact of this missense change (SIFT: "Deleterious"; PolyPhen-2: "Possibly Damaging"; Align-GVGD: "Class C0"). In summary, the available evidence is currently insufficient to determine the role of this variant in disease. Therefore, it has been classified as a Variant of Uncertain Significance.